The following is an entry in ClinVar:

ClinVar aggregate classification (germline): Uncertain significance. Review status: criteria provided, single submitter (1 of 4 stars). 2 submissions from 2 submitters: Uncertain significance (1). 1 of the submissions does not count toward it. Last evaluated 2024-11-29.

Conditions:
Metabolic myopathy due to lactate transporter defect. Also called: LACTATE TRANSPORTER DEFECT, MYOPATHY DUE TO. Identifiers: Orphanet 171690, MedGen C1855577, MONDO:0009501, OMIM 245340.

Allele frequency attached by ClinVar (database versions not stated): gnomAD exomes 0.00001; ExAC 0.00002; gnomAD 0.00002; TOPMed 0.00005.
gnomAD v4.1: 11 of 1,614,102 alleles (0.00068%); highest among the groups gnomAD compares: African/African-American, 0.013%; no homozygotes.

Submissions (2):

Labcorp Genetics (formerly Invitae), Labcorp
Classification: Uncertain significance. Last evaluated: 2024-11-29. Review status: criteria provided, single submitter. Criteria: Invitae Variant Classification Sherloc (09022015). Collection method: clinical testing. Allele origin: germline.
Comment: This sequence change replaces lysine, which is basic and polar, with glutamic acid, which is acidic and polar, at codon 204 of the SLC16A1 protein (p.Lys204Glu). This variant is present in population databases (rs80358222, gnomAD 0.02%). This missense change has been observed in individual(s) with clinical features of SLC16A1-related conditions (PMID: 10590411). ClinVar contains an entry for this variant (Variation ID: 8914). An algorithm developed to predict the effect of missense changes on protein structure and function outputs the following: PolyPhen-2: "Benign". The glutamic acid amino acid residue is found in multiple mammalian species, which suggests that this missense change does not adversely affect protein function. In summary, the available evidence is currently insufficient to determine the role of this variant in disease. Therefore, it has been classified as a Variant of Uncertain Significance.

OMIM
Classification: Pathogenic for ERYTHROCYTE LACTATE TRANSPORTER DEFECT. Last evaluated: 2000-01-01. Review status: no assertion criteria provided. Collection method: literature only. Allele origin: germline. Not counted in ClinVar's aggregate classification.

Literature cited by the submitters: PubMed 10590411 (cited by Labcorp Genetics (formerly Invitae), Labcorp and OMIM); PubMed 3775384 (cited by OMIM).

NM_003051.4(SLC16A1):c.610A>G (p.Lys204Glu)

Gene: SLC16A1 (solute carrier family 16 member 1; minus strand). Cytogenetic location: 1p13.2.
Variant type: single nucleotide variant.
Coding change: c.610A>G on transcript NM_003051.4 (MANE Select); coding-DNA position 610, A replaced by G.
Protein change: p.Lys204Glu; replaces lysine 204 with glutamic acid.
Molecular consequence: missense variant.
Genome position (GRCh38, 1-based): chr1:112,917,796, T>C on the plus strand (A>G on the coding strand, the complement: SLC16A1 is on the minus strand). VCF-style: chr1-112917796-T-C. GRCh37 (hg19) VCF-style: chr1-113460418-T-C.
Other names: c.610A>G, p.Lys204Glu (NM_001166496.2); short protein forms K204E.
Identifiers: ClinVar variation 8914 (VCV000008914.5), dbSNP rs80358222, ClinGen allele CA119996.
Genomic context (GRCh38, chr1:112,917,796, plus strand): 5'-TTTTCACACCAGATTTTCCAGCTTTCTCAAGGGATGCTTTAGACTTATCTTTCCCTGCCT[T>C]GGTTGGCTTGGGCCCGATTGGTCGCATGAGGGCTCCAGCAACACAGCAGTTTAGTAGCAA-3'
Protein context (NP_003042.3, residues 194-214): LMRPIGPKPT[Lys204Glu]AGKDKSKASL